The following is an entry in ClinVar:

NM_000484.4(APP):c.803G>C (p.Arg268Thr)

Gene: APP (amyloid beta precursor protein; minus strand). Cytogenetic location: 21q21.3.
Variant type: single nucleotide variant.
Coding change: c.803G>C on transcript NM_000484.4 (MANE Select); coding-DNA position 803, G replaced by C.
Protein change: p.Arg268Thr; replaces arginine 268 with threonine.
Molecular consequence: missense variant.
Genome position (GRCh38, 1-based): chr21:26,021,902, C>G on the plus strand (G>C on the coding strand, the complement: APP is on the minus strand). VCF-style: chr21-26021902-C-G. GRCh37 (hg19) VCF-style: chr21-27394218-C-G.
Other names: c.788G>C, p.Arg263Thr (NM_001136016.3); c.635G>C, p.Arg212Thr (NM_001136129.3, NM_001136130.3); c.698G>C, p.Arg233Thr (NM_001136131.3); c.803G>C, p.Arg268Thr (NM_001204301.2, NM_001204302.2, NM_001204303.2 and 3 more transcripts); short protein forms R212T, R233T, R263T, R268T.
Identifiers: ClinVar variation 2633212 (VCV002633212.1), dbSNP rs1601237753, ClinGen allele CA409862121.

ClinVar aggregate classification (germline): Uncertain significance (1 of 4 stars; one submission).

Conditions:
APP-related disorder. Also called: APP-related condition.

Allele frequency attached by ClinVar (database versions not stated): gnomAD exomes below 0.00001.

Submission:

PreventionGenetics, part of Exact Sciences
Classification: Uncertain significance for APP-related condition. Last evaluated: 2023-04-24. Review status: criteria provided, single submitter. Criteria: ACMG Guidelines, 2015. Collection method: clinical testing. Allele origin: germline.
Comment: The APP c.803G>C variant is predicted to result in the amino acid substitution p.Arg268Thr. To our knowledge, this variant has not been reported in the literature or in a large population database, indicating this variant is rare. At this time, the clinical significance of this variant is uncertain due to the absence of conclusive functional and genetic evidence.